The following is an entry in ClinVar:

ClinVar aggregate classification (germline): Likely benign. Review status: criteria provided, multiple submitters, no conflicts (2 of 4 stars). 3 submissions from 3 submitters: Likely benign (3). Last evaluated 2026-06-29.

Conditions:
HARS1-related disorder. Also called: HARS1-related condition.
Usher syndrome type 3B. Also called: USHER SYNDROME, TYPE IIIB. Identifiers: MedGen C3281066, MONDO:0013788, OMIM 614504.

Allele frequency attached by ClinVar (database versions not stated): gnomAD exomes below 0.00001.
gnomAD v4.1: 1 of 1,614,204 alleles (0.000062%); highest among the groups gnomAD compares: Non-Finnish European, 0.000085%; no homozygotes.

Submissions (3):

PreventionGenetics, part of Exact Sciences
Classification: Likely benign for HARS1-related condition. Last evaluated: 2026-06-29. Review status: criteria provided, single submitter. Criteria: ACMG Guidelines, 2015. Collection method: clinical testing. Allele origin: germline.
Comment: This variant is classified as likely benign based on ACMG/AMP sequence variant interpretation guidelines (Richards et al. 2015 PMID: 25741868, with internal and published modifications).

Labcorp Genetics (formerly Invitae), Labcorp
Classification: Likely benign for Usher syndrome type 3B. Last evaluated: 2023-06-15. Review status: criteria provided, single submitter. Criteria: Invitae Variant Classification Sherloc (09022015). Collection method: clinical testing. Allele origin: germline.

Ambry Genetics
Classification: Likely benign. Last evaluated: 2019-07-11. Review status: criteria provided, single submitter. Criteria: Ambry Variant Classification Scheme 2023. Collection method: clinical testing. Allele origin: germline.

NM_002109.6(HARS1):c.1053C>G (p.Pro351=)

Gene: HARS1 (histidyl-tRNA synthetase 1; minus strand). Cytogenetic location: 5q31.3.
Variant type: single nucleotide variant.
Coding change: c.1053C>G on transcript NM_002109.6 (MANE Select); coding-DNA position 1053, C replaced by G.
Protein change: p.Pro351=; no amino-acid change (proline 351 retained).
Molecular consequence: synonymous variant.
Genome position (GRCh38, 1-based): chr5:140,676,795, G>C on the plus strand (C>G on the coding strand, the complement: HARS1 is on the minus strand). VCF-style: chr5-140676795-G-C. GRCh37 (hg19) VCF-style: chr5-140056380-G-C.
Other names: c.933C>G, p.Pro311= (NM_001258040.3); c.993C>G, p.Pro331= (NM_001258041.3); c.873C>G, p.Pro291= (NM_001258042.3); c.831C>G, p.Pro277= (NM_001289092.2); c.711C>G, p.Pro237= (NM_001289093.2); c.966C>G, p.Pro322= (NM_001289094.2).
Identifiers: ClinVar variation 540206 (VCV000540206.11), dbSNP rs1435212159, ClinGen allele CA446804093.
Genomic context (GRCh38, chr5:140,676,795, plus strand): 5'-GTCGAACATGCCCACTAGCCCATCATAGCGTCCTCCAGCAGCCACACTGCCCACACCCAG[G>C]GGCTCTTCCCCTGCCTGGGCTGGGGTCTGTAGCAGCACTGCCTCATAGATCACCCCAGTG-3'
Protein context (NP_002100.2, residues 341-361): LQTPAQAGEE[Pro351=]LGVGSVAAGG